The following is an entry in ClinVar:

ClinVar aggregate classification (germline): Uncertain significance. Review status: criteria provided, multiple submitters, no conflicts (2 of 4 stars). 3 submissions from 3 submitters: Uncertain significance (3). Last evaluated 2025-12-09.

Conditions:
Hereditary breast ovarian cancer syndrome. Also called: Hereditary breast and ovarian cancer; Breast and ovarian cancer; Hereditary breast and/or ovarian cancer syndrome; Hereditary breast and ovarian cancer syndrome; BRCA1- and BRCA2-Associated Hereditary Breast and Ovarian Cancer; Hereditary breast and ovarian cancer syndrome (HBOC). Identifiers: Orphanet 145, MedGen C0677776, MeSH D061325, MONDO:0003582. Disease mechanism: loss of function.
Hereditary cancer-predisposing syndrome. Also called: Tumor predisposition; Hereditary Cancer Syndrome; Neoplastic Syndromes, Hereditary; Hereditary neoplastic syndrome. Identifiers: Orphanet 140162, MedGen C0027672, MeSH D009386, MONDO:0015356.

gnomAD v4.1: 1 of 1,614,174 alleles (0.000062%); highest among the groups gnomAD compares: African/African-American, 0.0013%; no homozygotes.

Submissions (3):

Labcorp Genetics (formerly Invitae), Labcorp
Classification: Uncertain significance for Hereditary breast ovarian cancer syndrome. Last evaluated: 2025-12-09. Review status: criteria provided, single submitter. Criteria: Invitae Variant Classification Sherloc (09022015). Collection method: clinical testing. Allele origin: germline.
Comment: This sequence change replaces threonine, which is neutral and polar, with isoleucine, which is neutral and non-polar, at codon 3387 of the BRCA2 protein (p.Thr3387Ile). This variant is not present in population databases (gnomAD no frequency). This variant has not been reported in the literature in individuals affected with BRCA2-related conditions. ClinVar contains an entry for this variant (Variation ID: 822014). Invitae Evidence Modeling of protein sequence and biophysical properties (such as structural, functional, and spatial information, amino acid conservation, physicochemical variation, residue mobility, and thermodynamic stability) indicates that this missense variant is not expected to disrupt BRCA2 protein function with a negative predictive value of 95%. In summary, the available evidence is currently insufficient to determine the role of this variant in disease. Therefore, it has been classified as a Variant of Uncertain Significance.

Women's Health and Genetics/Laboratory Corporation of America, LabCorp
Classification: Uncertain significance. Last evaluated: 2024-03-20. Review status: criteria provided, single submitter. Criteria: LabCorp Variant Classification Summary - May 2015. Collection method: clinical testing. Allele origin: germline.

Ambry Genetics
Classification: Uncertain significance for Hereditary cancer-predisposing syndrome. Last evaluated: 2019-09-19. Review status: criteria provided, single submitter. Criteria: Ambry Variant Classification Scheme 2023. Collection method: clinical testing. Allele origin: germline.
Comment: The p.T3387I variant (also known as c.10160C>T), located in coding exon 26 of the BRCA2 gene, results from a C to T substitution at nucleotide position 10160. The threonine at codon 3387 is replaced by isoleucine, an amino acid with similar properties. This amino acid position is poorly conserved in available vertebrate species. In addition, this alteration is predicted to be tolerated by in silico analysis. Since supporting evidence is limited at this time, the clinical significance of this alteration remains unclear.

NM_000059.4(BRCA2):c.10160C>T (p.Thr3387Ile)

Gene: BRCA2 (BRCA2 DNA repair associated; plus strand). Cytogenetic location: 13q13.1.
Variant type: single nucleotide variant.
Coding change: c.10160C>T on transcript NM_000059.4 (MANE Select); coding-DNA position 10160, C replaced by T.
Protein change: p.Thr3387Ile; replaces threonine 3387 with isoleucine.
Molecular consequence: missense variant.
Genome position (GRCh38, 1-based): chr13:32,398,673, C>T. VCF-style: chr13-32398673-C-T. GRCh37 (hg19) VCF-style: chr13-32972810-C-T.
Other names: short protein forms T3387I.
Identifiers: ClinVar variation 822014 (VCV000822014.7), dbSNP rs863224584, ClinGen allele CA387768194.